The following is an entry in ClinVar:

ClinVar aggregate classification (germline): Uncertain significance (1 of 4 stars; one submission).

Conditions:
Periodic fever-infantile enterocolitis-autoinflammatory syndrome. Also called: Autoinflammation with infantile enterocolitis. Identifiers: Orphanet 436166, MedGen C4015067, MONDO:0014472, OMIM 616050.
Familial cold autoinflammatory syndrome 4 (FCAS4). Identifiers: Orphanet 47045, Orphanet 576349, MedGen C4015276, MONDO:0014498, OMIM 616115.

Allele frequency attached by ClinVar (database versions not stated): gnomAD exomes below 0.00001.
gnomAD v4.1: 1 of 1,614,176 alleles (0.000062%); highest among the groups gnomAD compares: Non-Finnish European, 0.000085%; no homozygotes.

Submission:

Labcorp Genetics (formerly Invitae), Labcorp
Classification: Uncertain significance for Periodic fever-infantile enterocolitis-autoinflammatory syndrome; Familial cold autoinflammatory syndrome 4. Last evaluated: 2023-05-03. Review status: criteria provided, single submitter. Criteria: Invitae Variant Classification Sherloc (09022015). Collection method: clinical testing. Allele origin: germline.
Comment: In summary, the available evidence is currently insufficient to determine the role of this variant in disease. Therefore, it has been classified as a Variant of Uncertain Significance. Advanced modeling of protein sequence and biophysical properties (such as structural, functional, and spatial information, amino acid conservation, physicochemical variation, residue mobility, and thermodynamic stability) has been performed at Invitae for this missense variant, however the output from this modeling did not meet the statistical confidence thresholds required to predict the impact of this variant on NLRC4 protein function. This variant has not been reported in the literature in individuals affected with NLRC4-related conditions. This variant is not present in population databases (gnomAD no frequency). This sequence change replaces glycine, which is neutral and non-polar, with glutamic acid, which is acidic and polar, at codon 298 of the NLRC4 protein (p.Gly298Glu).

NM_001199138.2(NLRC4):c.893G>A (p.Gly298Glu)

Gene: NLRC4 (NLR family CARD domain containing 4; minus strand). Cytogenetic location: 2p22.3.
Variant type: single nucleotide variant.
Coding change: c.893G>A on transcript NM_001199138.2 (MANE Select); coding-DNA position 893, G replaced by A.
Protein change: p.Gly298Glu; replaces glycine 298 with glutamic acid.
Molecular consequence: missense variant. On other transcripts: intron variant (1).
Genome position (GRCh38, 1-based): chr2:32,250,971, C>T on the plus strand (G>A on the coding strand, the complement: NLRC4 is on the minus strand). VCF-style: chr2-32250971-C-T. GRCh37 (hg19) VCF-style: chr2-32476040-C-T.
Other names: c.893G>A, p.Gly298Glu (NM_001199139.2, NM_021209.5); c.262+1448G>A (NM_001302504.1); short protein forms G298E.
Identifiers: ClinVar variation 2938307 (VCV002938307.3), dbSNP rs1465061859, ClinGen allele CA346514033.